The following is an entry in ClinVar:

NM_016123.4(IRAK4):c.*270C>T

Gene: IRAK4 (interleukin 1 receptor associated kinase 4; plus strand). Cytogenetic location: 12q12.
Variant type: single nucleotide variant.
Coding change: c.*270C>T on transcript NM_016123.4 (MANE Select); 270 bases downstream of the stop codon, C replaced by T.
Molecular consequence: 3 prime UTR variant.
Genome position (GRCh38, 1-based): chr12:43,786,985, C>T. VCF-style: chr12-43786985-C-T. GRCh37 (hg19) VCF-style: chr12-44180788-C-T.
Other names: c.*270C>T (NM_001114182.3, NM_001145256.2, NM_001145257.2 and 9 more transcripts).
Identifiers: ClinVar variation 308736 (VCV000308736.5), dbSNP rs4251547, ClinGen allele CA10642233.
Genomic context (GRCh38, chr12:43,786,985, plus strand): 5'-TTCTTACAGTAATCCCTGAGAAATCTCCTTCAAGCATCACCAAACACAGTTTGAAAATTA[C>T]AGGGTTAGCAAAAAGAGCCTGGGCTGTATGTAGGGTGGAAACACTCTGATCTGAAGCCCA-3'

ClinVar aggregate classification (germline): Benign (1 of 4 stars; one submission).

Conditions:
Immunodeficiency 67. Also called: Immunodeficiency due to interleukin-1 receptor-associated kinase-4 deficiency. Identifiers: Orphanet 70592, MedGen C1843256, MONDO:0011888, OMIM 607676.

Allele frequency attached by ClinVar (database versions not stated): gnomAD exomes 0.00124; gnomAD 0.00963 and 0.01024; TOPMed 0.01057; 1000 Genomes Project 30x 0.01187; 1000 Genomes Project 0.01218.
gnomAD v4.1: 1,883 of 471,728 alleles (0.4%); highest among the groups gnomAD compares: African/African-American, 3.3%; 27 homozygotes.

Submission:

Illumina Laboratory Services, Illumina
Classification: Benign for Immunodeficiency 67. Last evaluated: 2018-01-12. Review status: criteria provided, single submitter. Criteria: ICSL Variant Classification Criteria 13 December 2019. Collection method: clinical testing. Allele origin: germline.
Comment: This variant was observed in the ICSL laboratory as part of a predisposition screen in an ostensibly healthy population. It had not been previously curated by ICSL or reported in the Human Gene Mutation Database (HGMD: prior to June 1st, 2018), and was therefore a candidate for classification through an automated scoring system. Utilizing variant allele frequency, disease prevalence and penetrance estimates, and inheritance mode, an automated score was calculated to assess if this variant is too frequent to cause the disease. Based on the score and internal cut-off values, a variant classified as benign is not then subjected to further curation. The score for this variant resulted in a classification of benign for this disease.